The following is an entry in ClinVar:

ClinVar aggregate classification (germline): Uncertain significance (1 of 4 stars; one submission).

Submission:

Labcorp Genetics (formerly Invitae), Labcorp
Classification: Uncertain significance. Last evaluated: 2022-07-19. Review status: criteria provided, single submitter. Criteria: Invitae Variant Classification Sherloc (09022015). Collection method: clinical testing. Allele origin: germline.
Comment: In summary, the available evidence is currently insufficient to determine the role of this variant in disease. Therefore, it has been classified as a Variant of Uncertain Significance. This variant has not been reported in the literature in individuals affected with PSMG2-related conditions. This variant is not present in population databases (gnomAD no frequency). This sequence change creates a premature translational stop signal (p.Leu34Aspfs*9) in the PSMG2 gene. It is expected to result in an absent or disrupted protein product. However, the current clinical and genetic evidence is not sufficient to establish whether loss-of-function variants in PSMG2 cause disease.

NM_020232.5(PSMG2):c.100_101del (p.Leu34fs)

Gene: PSMG2 (proteasome assembly chaperone 2; plus strand). Cytogenetic location: 18p11.21.
Variant type: Deletion.
Coding change: c.100_101del on transcript NM_020232.5 (MANE Select); coding-DNA positions 100 to 101, 2 bases deleted (CT; older notation c.100_101delCT).
Protein change: p.Leu34fs; shifts the reading frame from leucine 34.
Molecular consequence: frameshift variant.
Genome position (GRCh38, 1-based): chr18:12,706,592-12,706,593, CT deleted; deleting any 2 consecutive bases within chr18:12,706,591-12,706,593 gives the same sequence; the c. name uses the placement nearest the transcript's 3' end. VCF-style (leftmost placement, unchanged base first): chr18-12706590-ATC-A. GRCh37 (hg19) VCF-style: chr18-12706589-ATC-A.
Other names: c.7_8del, p.Leu3fs (NM_147163.2); short protein forms L34fs, L3fs.
Identifiers: ClinVar variation 2067542 (VCV002067542.4), dbSNP rs2510987237, ClinGen allele CA2580095452.